The following is an entry in ClinVar:

ClinVar aggregate classification (germline): Likely pathogenic (1 of 4 stars; one submission).

Conditions:
Renal hypodysplasia/aplasia 3 (RHDA3). Identifiers: MedGen C4540497, MONDO:0024520, OMIM 617805.

Submission:

3billion
Classification: Likely pathogenic for Renal hypodysplasia/aplasia 3. Last evaluated: 2024-03-06. Review status: criteria provided, single submitter. Criteria: ACMG Guidelines, 2015. Collection method: clinical testing. Allele origin: germline. Affected: yes.
Comment: The variant is not observed in the gnomAD v2.1.1 dataset. Predicted Consequence/Location: Frameshift: predicted to result in a loss or disruption of normal protein function through nonsense-mediated decay (NMD) or protein truncation. Multiple pathogenic variants are reported downstream of the variant. Therefore, this variant is classified as Likely pathogenic according to the recommendation of ACMG/AMP guideline.

NM_001142966.3(GREB1L):c.3984_3996del (p.Tyr1330fs)

Gene: GREB1L (GREB1 like retinoic acid receptor coactivator; plus strand). Cytogenetic location: 18q11.2.
Variant type: Deletion.
Coding change: c.3984_3996del on transcript NM_001142966.3 (MANE Select); coding-DNA positions 3984 to 3996, 13 bases deleted (CTCCTATTTACAG).
Protein change: p.Tyr1330fs; shifts the reading frame from tyrosine 1330.
Molecular consequence: frameshift variant.
Genome position (GRCh38, 1-based): chr18:21,500,554-21,500,566, CTCCTATTTACAG deleted; deleting any 13 consecutive bases within chr18:21,500,553-21,500,566 gives the same sequence; the c. name uses the placement nearest the transcript's 3' end. VCF-style (leftmost placement, unchanged base first): chr18-21500552-GGCTCCTATTTACA-G. GRCh37 (hg19) VCF-style: chr18-19080513-GGCTCCTATTTACA-G.
Other names: c.4113_4125del, p.Tyr1373fs (NM_001410867.1); c.3657_3669del, p.Tyr1221fs (NM_001410868.1); short protein forms Y1221fs, Y1330fs, Y1373fs.
Identifiers: ClinVar variation 3775424 (VCV003775424.1).
Genomic context (GRCh38, chr18:21,500,552, plus strand): 5'-CTCTCTTTCCCGCCTCCACTCCTCCCCAATTAAAAATCTTTCCATTAGGTGGGAAAGACG[GGCTCCTATTTACA>G]GTTCCTCAGGATCCTCTTCCGCATGCTCATCAGGCTCCTGGAGGTGGACGTGTATGATGA-3'